The following is an entry in ClinVar:

NM_004744.5(LRAT):c.163del (p.Arg55fs)

Gene: LRAT (lecithin retinol acyltransferase; plus strand). Cytogenetic location: 4q32.1.
Variant type: Deletion.
Coding change: c.163del on transcript NM_004744.5 (MANE Select); coding-DNA position 163, one base deleted (C; older notation c.163delC).
Protein change: p.Arg55fs; shifts the reading frame from arginine 55.
Molecular consequence: frameshift variant.
Genome position (GRCh38, 1-based): chr4:154,744,489, C deleted; the last of 4 consecutive C bases (chr4:154,744,486-154,744,489); deleting any one gives the same sequence. VCF-style (leftmost placement, unchanged base first): chr4-154744485-GC-G. GRCh37 (hg19) VCF-style: chr4-155665637-GC-G.
Other names: c.163del, p.Arg55fs (NM_001301645.2); short protein forms R55fs.
Identifiers: ClinVar variation 2858521 (VCV002858521.3), dbSNP rs2529972387, ClinGen allele CA2578218167.
Genomic context (GRCh38, chr4:154,744,485, plus strand): 5'-CAAAGGGAGGAACAGTTTTTATGAAACCAGCTCTTTCCACCGAGGCGACGTGCTGGAGGT[GC>G]CCCGGACCCACCTGACCCACTATGGCATCTACCTAGGAGACAACCGTGTTGCCCACATGA-3'

ClinVar aggregate classification (germline): Pathogenic (1 of 4 stars; one submission).

Submission:

Labcorp Genetics (formerly Invitae), Labcorp
Classification: Pathogenic. Last evaluated: 2023-09-15. Review status: criteria provided, single submitter. Criteria: Invitae Variant Classification Sherloc (09022015). Collection method: clinical testing. Allele origin: germline.
Comment: This sequence change creates a premature translational stop signal (p.Arg55Glyfs*4) in the LRAT gene. It is expected to result in an absent or disrupted protein product. Loss-of-function variants in LRAT are known to be pathogenic (PMID: 22559933, 24265693). This variant is not present in population databases (gnomAD no frequency). This variant has not been reported in the literature in individuals affected with LRAT-related conditions. For these reasons, this variant has been classified as Pathogenic.

Literature cited by the submitters: PubMed 22559933; PubMed 24265693.